The following is an entry in ClinVar:

ClinVar aggregate classification (germline): Uncertain significance (1 of 4 stars; one submission).

Conditions:
Cornelia de Lange syndrome 1 (CDLS1). Also called: TYPUS DEGENERATIVUS AMSTELODAMENSIS; Brachmann de Lange syndrome; NIPBL-Related Cornelia de Lange Syndrome. Identifiers: Orphanet 199, MedGen C4551851, MONDO:0007387, OMIM 122470.

Submission:

Labcorp Genetics (formerly Invitae), Labcorp
Classification: Uncertain significance for Cornelia de Lange syndrome 1. Last evaluated: 2022-08-29. Review status: criteria provided, single submitter. Criteria: Invitae Variant Classification Sherloc (09022015). Collection method: clinical testing. Allele origin: germline.
Comment: Advanced modeling of protein sequence and biophysical properties (such as structural, functional, and spatial information, amino acid conservation, physicochemical variation, residue mobility, and thermodynamic stability) performed at Invitae indicates that this missense variant is not expected to disrupt NIPBL protein function. In summary, the available evidence is currently insufficient to determine the role of this variant in disease. Therefore, it has been classified as a Variant of Uncertain Significance. This variant has not been reported in the literature in individuals affected with NIPBL-related conditions. This variant is not present in population databases (gnomAD no frequency). This sequence change replaces isoleucine, which is neutral and non-polar, with valine, which is neutral and non-polar, at codon 1419 of the NIPBL protein (p.Ile1419Val).

NM_133433.4(NIPBL):c.4255A>G (p.Ile1419Val)

Gene: NIPBL (NIPBL cohesin loading factor; plus strand). Cytogenetic location: 5p13.2.
Variant type: single nucleotide variant.
Coding change: c.4255A>G on transcript NM_133433.4 (MANE Select); coding-DNA position 4255, A replaced by G.
Protein change: p.Ile1419Val; replaces isoleucine 1419 with valine.
Molecular consequence: missense variant.
Genome position (GRCh38, 1-based): chr5:37,008,023, A>G. VCF-style: chr5-37008023-A-G. GRCh37 (hg19) VCF-style: chr5-37008125-A-G.
Other names: c.4255A>G, p.Ile1419Val (NM_015384.5); short protein forms I1419V.
Identifiers: ClinVar variation 1718288 (VCV001718288.5), dbSNP rs2478165967, ClinGen allele CA359526198.